The following is an entry in ClinVar:

ClinVar aggregate classification (germline): Likely benign. Review status: criteria provided, multiple submitters, no conflicts (2 of 4 stars). 2 submissions from 2 submitters: Likely benign (2). Last evaluated 2025-05-06.

Conditions:
Early-infantile DEE. Also called: Early infantile epileptic encephalopathy; Ohtahara syndrome; Early infantile epileptic encephalopathy with suppression bursts. Identifiers: Orphanet 1934, MedGen C0393706, MONDO:0800491.

Allele frequency attached by ClinVar (database versions not stated): gnomAD exomes below 0.00001 and 0.00002.

Submissions (2):

Women's Health and Genetics/Laboratory Corporation of America, LabCorp
Classification: Likely benign. Last evaluated: 2025-05-06. Review status: criteria provided, single submitter. Criteria: LabCorp Variant Classification Summary - May 2015. Collection method: clinical testing. Allele origin: germline.
Comment: Variant summary: SPTAN1 c.930+18delC alters a nucleotide located at a position not widely known to affect splicing. Consensus agreement among computation tools predict no significant impact on normal splicing. However, these predictions have yet to be confirmed by functional studies. The variant allele was found at a frequency of 1.6e-05 in 251440 control chromosomes. The available data on variant occurrences in the general population are insufficient to allow any conclusion about variant significance. To our knowledge, no occurrence of c.930+18delC in individuals affected with Epileptic Encephalopathy, Early Infantile, 5 and no experimental evidence demonstrating its impact on protein function have been reported. ClinVar contains an entry for this variant (Variation ID: 1434139). Based on the evidence outlined above, the variant was classified as likely benign.

Labcorp Genetics (formerly Invitae), Labcorp
Classification: Likely benign for Early-infantile DEE. Last evaluated: 2023-08-17. Review status: criteria provided, single submitter. Criteria: Invitae Variant Classification Sherloc (09022015). Collection method: clinical testing. Allele origin: germline.

NM_001130438.3(SPTAN1):c.930+18del

Gene: SPTAN1 (spectrin alpha, non-erythrocytic 1; plus strand). Cytogenetic location: 9q34.11.
Variant type: Deletion.
Coding change: c.930+18del on transcript NM_001130438.3 (MANE Select); 18 bases into the intron after coding-DNA position 930, one base deleted (C; older notation c.930+18delC).
Molecular consequence: intron variant.
Genome position (GRCh38, 1-based): chr9:128,577,291, C deleted. VCF-style (leftmost placement, unchanged base first): chr9-128577290-GC-G. GRCh37 (hg19) VCF-style: chr9-131339569-GC-G.
Other names: c.930+18delC (NM_001130438.3); c.966+18del (NM_001375318.1, NM_001375312.2); c.930+18del (NM_001375311.2, NM_001375314.2, NM_001375310.1 and 5 more transcripts).
Identifiers: ClinVar variation 1434139 (VCV001434139.8), dbSNP rs1564211538, ClinGen allele CA590941497.